The following is an entry in ClinVar:

ClinVar aggregate classification (germline): Uncertain significance (1 of 4 stars; one submission).

Submission:

Ambry Genetics
Classification: Uncertain significance. Last evaluated: 2024-10-08. Review status: criteria provided, single submitter. Criteria: Ambry Variant Classification Scheme 2023. Collection method: clinical testing. Allele origin: germline.
Comment: The p.A194V variant (also known as c.581C>T), located in coding exon 6 of the FAM175A gene, results from a C to T substitution at nucleotide position 581. The alanine at codon 194 is replaced by valine, an amino acid with similar properties. This amino acid position is conserved. In addition, this alteration is predicted to be tolerated by in silico analysis. Based on the available evidence, the clinical significance of this variant remains unclear.

NM_139076.3(ABRAXAS1):c.581C>T (p.Ala194Val)

Gene: ABRAXAS1 (abraxas 1, BRCA1 A complex subunit; minus strand). Cytogenetic location: 4q21.23.
Variant type: single nucleotide variant.
Coding change: c.581C>T on transcript NM_139076.3 (MANE Select); coding-DNA position 581, C replaced by T.
Protein change: p.Ala194Val; replaces alanine 194 with valine.
Molecular consequence: missense variant.
Genome position (GRCh38, 1-based): chr4:83,469,047, G>A on the plus strand (C>T on the coding strand, the complement: ABRAXAS1 is on the minus strand). VCF-style: chr4-83469047-G-A. GRCh37 (hg19) VCF-style: chr4-84390200-G-A.
Other names: c.254C>T, p.Ala85Val (NM_001345962.2); short protein forms A194V, A85V.
Identifiers: ClinVar variation 3447543 (VCV003447543.1).